The following is an entry in ClinVar:

NM_025243.4(SLC19A3):c.553C>A (p.Leu185Ile)

Gene: SLC19A3 (solute carrier family 19 member 3; minus strand). Cytogenetic location: 2q36.3.
Variant type: single nucleotide variant.
Coding change: c.553C>A on transcript NM_025243.4 (MANE Select); coding-DNA position 553, C replaced by A.
Protein change: p.Leu185Ile; replaces leucine 185 with isoleucine.
Molecular consequence: missense variant.
Genome position (GRCh38, 1-based): chr2:227,699,162, G>T on the plus strand (C>A on the coding strand, the complement: SLC19A3 is on the minus strand). VCF-style: chr2-227699162-G-T. GRCh37 (hg19) VCF-style: chr2-228563878-G-T.
Other names: c.553C>A, p.Leu185Ile (NM_001371411.1, NM_001371412.1); c.541C>A, p.Leu181Ile (NM_001371413.1, NM_001371414.1); short protein forms L185I, L181I.
Identifiers: ClinVar variation 936982 (VCV000936982.8), dbSNP rs1695567093, ClinGen allele CA350876988.

ClinVar aggregate classification (germline): Uncertain significance (1 of 4 stars; one submission).

Conditions:
Biotin-responsive basal ganglia disease (BTBGD). Also called: Thiamine metabolism dysfunction syndrome type 2; Thiamine Transporter-2 Deficiency; THIAMINE METABOLISM DYSFUNCTION SYNDROME 2 (BIOTIN- AND THIAMINE-RESPONSIVE TYPE); Thiamine metabolism dysfunction syndrome 2 (biotin- or thiamine-responsive encephalopathy type 2); thiamine-responsive encephalopathy. Identifiers: Orphanet 199348, Orphanet 65284, MedGen C1843807, MONDO:0011841, OMIM 607483.

Submission:

Labcorp Genetics (formerly Invitae), Labcorp
Classification: Uncertain significance for Biotin-responsive basal ganglia disease. Last evaluated: 2025-08-21. Review status: criteria provided, single submitter. Criteria: Invitae Variant Classification Sherloc (09022015). Collection method: clinical testing. Allele origin: germline.
Comment: This sequence change replaces leucine, which is neutral and non-polar, with isoleucine, which is neutral and non-polar, at codon 185 of the SLC19A3 protein (p.Leu185Ile). This variant is not present in population databases (gnomAD no frequency). This variant has not been reported in the literature in individuals affected with SLC19A3-related conditions. ClinVar contains an entry for this variant (Variation ID: 936982). Invitae Evidence Modeling of protein sequence and biophysical properties (such as structural, functional, and spatial information, amino acid conservation, physicochemical variation, residue mobility, and thermodynamic stability) indicates that this missense variant is not expected to disrupt SLC19A3 protein function with a negative predictive value of 95%. In summary, the available evidence is currently insufficient to determine the role of this variant in disease. Therefore, it has been classified as a Variant of Uncertain Significance.